The following is an entry in ClinVar:

ClinVar aggregate classification (germline): Pathogenic. Review status: reviewed by expert panel (3 of 4 stars). 11 submissions from 11 submitters: Pathogenic (1). 10 of the submissions do not count toward it. Last evaluated 2024-12-03.

Conditions:
Cardiovascular phenotype. Identifiers: MedGen CN230736.
Hereditary cancer-predisposing syndrome. Also called: Tumor predisposition; Hereditary neoplastic syndrome; Neoplastic Syndromes, Hereditary; Hereditary Cancer Syndrome. Identifiers: Orphanet 140162, MedGen C0027672, MeSH D009386, MONDO:0015356.
Noonan syndrome 2 (NS2). Identifiers: Orphanet 648, MedGen C1854469, MONDO:0011531, OMIM 605275.
RASopathy. Also called: rasopathies; Noonan spectrum disorder. Identifiers: Orphanet 536391, MedGen C5555857, MONDO:0021060.
Fetal anomalies with a likely genetic cause.
LZTR1-related schwannomatosis. Also called: Schwannomatosis-2, susceptibility to; Schwannomatosis 2. Identifiers: Orphanet 93921, MedGen C3810283, MONDO:0014299, OMIM 615670.
LZTR1-related disorder. Also called: LZTR1-related disorders; LZTR1-related condition.

Allele frequency attached by ClinVar (database versions not stated): gnomAD 0.00001; TOPMed 0.00001.
gnomAD v4.1: 16 of 1,548,270 alleles (0.001%); highest among the groups gnomAD compares: East Asian, 0.0049%; no homozygotes.

Submissions 1 to 9 of 11:

ClinGen RASopathy Variant Curation Expert Panel
Classification: Pathogenic for RASopathy. Last evaluated: 2024-12-03. Review status: reviewed by expert panel. Criteria: ClinGen RASopathy ACMG Specifications LZTR1 V1.3.0. Collection method: curation. Allele origin: germline. Inheritance: Autosomal recessive inheritance.
Comment: The c.993+1G>A variant in LZTR1 occurs within the canonical splice donor site + 1 of intron 9. It is predicted to cause skipping of biologically-relevant-exon 9/21 (out of frame), resulting in a frameshift leading to nonsense mediated decay in a gene in which loss-of-function is an established disease mechanism (PVS1). The filtering allele frequency (the upper threshold of the 95% CI of 1/59454) of the c.993+1G>A variant in LZTR1 is 0 for European (non-Finnish) chromosomes by gnomAD v2.1.1, which is lower than the ClinGen RASopathy VCEP threshold (≤0.000025) for PM2_Supporting, and therefore meets this criterion (PM2_Supporting). This variant has been detected in 2 individuals with RASopathy. Of those individuals, both were compound heterozygous for the variant and a pathogenic or likely pathogenic variant and 1 of those was confirmed in trans by family testing (c.1591G>A (p.D531N) phase unknown, c.1149+1G>A confirmed in trans, 1.25 PM3 points, SCV002107378.4, GeneDx) (PM3). In summary, this variant meets the criteria to be classified as pathogenic for autosomal recessive RASopathy based on the ACMG/AMP criteria applied, as specified by the ClinGen RASopathy VCEP: PVS1, PM3, PM2_Supporting. (ClinGen RASopathy VCEP specifications version 1.3; 12/3/2024)

Genetics Laboratory, Great Ormond Street Hospital NHS Foundation Trust, North Thames Genomic Laboratory Hub
Classification: Pathogenic for Fetal anomalies with a likely genetic cause. Last evaluated: 2026-09-07. Review status: criteria provided, single submitter. Criteria: ACGS Best Practice Guidelines for Variant Classification in Rare Disease 2024 v1.2. Collection method: clinical testing. Allele origin: germline. Affected: yes. Not counted in ClinVar's aggregate classification.
Comment: PM2_moderate, PVS1_very-strong, PM3_moderate

Labcorp Genetics (formerly Invitae), Labcorp
Classification: Likely pathogenic. Last evaluated: 2026-01-19. Review status: criteria provided, single submitter. Criteria: Invitae Variant Classification Sherloc (09022015). Collection method: clinical testing. Allele origin: germline. Not counted in ClinVar's aggregate classification.
Comment: This sequence change affects a donor splice site in intron 9 of the LZTR1 gene. It is expected to disrupt RNA splicing. Variants that disrupt the donor or acceptor splice site typically lead to a loss of protein function (PMID: 16199547), and loss-of-function variants in LZTR1 are known to be pathogenic (PMID: 24362817, 25335493, 25480913, 25795793, 29469822, 30368668, 30442762, 30442766, 30481304, 30859559). This variant is present in population databases (no rsID available, gnomAD 0.002%). Disruption of this splice site has been observed in individual(s) with schwannomatosis and/or features of LZTR1-related disorders (PMID: 29409008, 39039281). ClinVar contains an entry for this variant (Variation ID: 973830). Algorithms developed to predict the effect of sequence changes on RNA splicing suggest that this variant may disrupt the consensus splice site. In summary, the currently available evidence indicates that the variant is pathogenic, but additional data are needed to prove that conclusively. Therefore, this variant has been classified as Likely Pathogenic.

Dasa
Classification: Pathogenic. Last evaluated: 2025-11-08. Review status: criteria provided, single submitter. Criteria: DASA Assertion Criteria. Collection method: clinical testing. Allele origin: germline. Not counted in ClinVar's aggregate classification.
Comment: NM_006767.4(LZTR1):c.993+1G>A affects a canonical splice site and is predicted to disrupt normal RNA splicing, leading to loss of normal protein function. Loss-of-function is an established mechanism of disease for this gene. This variant results in the same amino acid change as a previously established pathogenic variant. This variant has been reported in an affected individual with related phenotype in a genotype context consistent with recessive disease (PMID: 39062695). The variant is present at low frequency in population datasets. Based on the available data, this variant is classified as pathogenic.

Ambry Genetics
Classification: Pathogenic for Cardiovascular phenotype; Hereditary cancer-predisposing syndrome. Last evaluated: 2025-03-02. Review status: criteria provided, single submitter. Criteria: Ambry Variant Classification Scheme 2023. Collection method: clinical testing. Allele origin: germline. Not counted in ClinVar's aggregate classification.
Comment: The c.993+1G>A intronic pathogenic mutation results from a G to A substitution one nucleotide after coding exon 9 of the LZTR1 gene. This mutation has been observed in at least one individual with a personal and/or family history that is consistent with LZTR1-related disease (Ambry internal data). This nucleotide position is highly conserved in available vertebrate species. This variant is considered to be rare based on population cohorts in the Genome Aggregation Database (gnomAD). In silico splice site analysis predicts that this alteration will weaken the native splice donor site. RNA studies have demonstrated that this alteration results in abnormal splicing in the set of samples tested (Ambry internal data). Another alteration impacting the same donor site (c.993+1G>T) has been shown to have a similar impact on splicing in RNA studies (Ambry internal data). Loss-of-function variants in LZTR1 are related to an increased risk for schwannomas and autosomal recessive Noonan syndrome; however, such associations with autosomal dominant Noonan syndrome have not been observed (Piotrowski A et al. Nat Genet. 2014 Feb;46:182-7; Yamamoto GL et al. J Med Genet. 2015 Jun;52:413-21; Johnston JJ et al. Genet Med. 2018 10;20:1175-1185). Based on the supporting evidence, this variant is pathogenic for an increased risk of LZTR1-related schwannomatosis (SWN) and would be expected to cause autosomal recessive Noonan syndrome when present along with a second pathogenic or likely pathogenic variant on the other allele; however, the association of this alteration with autosomal dominant Noonan syndrome is unlikely.

GeneDx
Classification: Pathogenic. Last evaluated: 2024-10-03. Review status: criteria provided, single submitter. Criteria: GeneDx Variant Classification Process June 2021. Collection method: clinical testing. Allele origin: germline. Affected: yes. Not counted in ClinVar's aggregate classification.
Comment: Canonical splice site variant predicted to result in a null allele in a gene for which loss of function is a known mechanism of disease; Observed in the literature in two individuals from a congenital heart disease cohort without specific clinical information provided (PMID: 33084842); Not observed at significant frequency in large population cohorts (gnomAD); This variant is associated with the following publications: (PMID: 16199547, 30859559, 25480913, 30442762, 24362817, 29469822, 25335493, 33084842)

Women's Health and Genetics/Laboratory Corporation of America, LabCorp
Classification: Uncertain significance. Last evaluated: 2024-02-07. Review status: criteria provided, single submitter. Criteria: LabCorp Variant Classification Summary - May 2015. Collection method: clinical testing. Allele origin: germline. Not counted in ClinVar's aggregate classification.
Comment: Variant summary: LZTR1 c.993+1G>A is located in a canonical splice-site and is predicted to affect mRNA splicing resulting in a significantly altered protein due to either exon skipping, shortening, or inclusion of intronic material. Several computational tools predict a significant impact on normal splicing: Four predict the variant abolishes a 5' splicing donor site. However, these predictions have yet to be confirmed by functional studies. The variant allele was found at a frequency of 6.5e-06 in 153582 control chromosomes. c.993+1G>A has been reported in the literature in individuals affected with Congenital Heart Disease (Morton_2021). These report(s) do not provide unequivocal conclusions about association of the variant with Noonan Syndrome. To our knowledge, no experimental evidence demonstrating an impact on protein function has been reported. The following publication have been ascertained in the context of this evaluation (PMID: 33084842). ClinVar contains an entry for this variant (Variation ID: 973830). Germline loss of function mutations in LZTR1 have been reported to predispose to an inherited disorder of multiple schwannomas (Piotrowski_2014). Based on the evidence outlined above, the variant was classified as likely pathogenic for the risk of multiple schwannomas and as a variant of uncertain clinical significance for the phenotype NSRD.

Baylor Genetics
Classification: Likely pathogenic for LZTR1-related schwannomatosis. Last evaluated: 2023-10-08. Review status: criteria provided, single submitter. Criteria: ACMG Guidelines, 2015. Collection method: clinical testing. Allele origin: unknown. Not counted in ClinVar's aggregate classification.

Revvity Omics, Revvity
Classification: Likely pathogenic. Last evaluated: 2021-09-15. Review status: criteria provided, single submitter. Criteria: ACMG Guidelines, 2015. Collection method: clinical testing. Allele origin: germline. Not counted in ClinVar's aggregate classification.

NM_006767.4(LZTR1):c.993+1G>A

Gene: LZTR1 (leucine zipper like post translational regulator 1; plus strand). Cytogenetic location: 22q11.21.
Variant type: single nucleotide variant.
Coding change: c.993+1G>A on transcript NM_006767.4 (MANE Select); the canonical splice donor site of the intron after coding-DNA position 993, G replaced by A.
Molecular consequence: splice donor variant.
Genome position (GRCh38, 1-based): chr22:20,991,830, G>A. VCF-style: chr22-20991830-G-A. GRCh37 (hg19) VCF-style: chr22-21346119-G-A.
Other names: c.993+1G>A (NM_006767.3).
Identifiers: ClinVar variation 973830 (VCV000973830.26), dbSNP rs770368435, ClinGen allele CA410781684.
Genomic context (GRCh38, chr22:20,991,830, plus strand): 5'-CACTGCTATGACGTGGACTTCCAGACCTGGGAGGTCGTCCAGCCCAGCTCCGACAGCGAG[G>A]TGAGGGTGCCCAGGGGTGTCCTGACCTGCCAGCTGGACACCAGTAGCTCCTACCCTGCTC-3'